The following is an entry in ClinVar:

NM_001999.4(FBN2):c.3884A>G (p.Asp1295Gly)

Gene: FBN2 (fibrillin 2; minus strand). Cytogenetic location: 5q23.3.
Variant type: single nucleotide variant.
Coding change: c.3884A>G on transcript NM_001999.4 (MANE Select); coding-DNA position 3884, A replaced by G.
Protein change: p.Asp1295Gly; replaces aspartic acid 1295 with glycine.
Molecular consequence: missense variant.
Genome position (GRCh38, 1-based): chr5:128,335,259, T>C on the plus strand (A>G on the coding strand, the complement: FBN2 is on the minus strand). VCF-style: chr5-128335259-T-C. GRCh37 (hg19) VCF-style: chr5-127670951-T-C.
Other names: short protein forms D1295G.
Identifiers: ClinVar variation 264121 (VCV000264121.8), dbSNP rs775987665, ClinGen allele CA10587611.
Genomic context (GRCh38, chr5:128,335,259, plus strand): 5'-ATGAAGCCATCATAGCAGAGGCAGCGATACTCTCCAGGAATGTTGGTACACTGGCCGCCA[T>C]CACAGATATCAGGATTGTTTTCACATTCATCAATGTCTGATGATACAAAATTAGCATCAA-3'
Protein context (NP_001990.2, residues 1285-1305): DECENNPDIC[Asp1295Gly]GGQCTNIPGE

ClinVar aggregate classification (germline): Uncertain significance. Review status: criteria provided, multiple submitters, no conflicts (2 of 4 stars). 4 submissions from 4 submitters: Uncertain significance (4). Last evaluated 2025-03-02.

Conditions:
FBN2-related disorder. Also called: FBN2-related condition.
Familial thoracic aortic aneurysm and aortic dissection (TAAD). Also called: Thoracic aortic aneurysms and dissections. Identifiers: Orphanet 91387, MedGen C4707243, MONDO:0019625.
Congenital contractural arachnodactyly (CCA). Also called: BEALS SYNDROME; Arthrogryposis, distal, type 9; Beals-Hecht syndrome. Identifiers: Orphanet 115, MedGen C0220668, MONDO:0007363, OMIM 121050.

Allele frequency attached by ClinVar (database versions not stated): TOPMed below 0.00001; gnomAD 0.00001; gnomAD exomes 0.00001.
gnomAD v4.1: 9 of 1,614,026 alleles (0.00056%); highest among the groups gnomAD compares: Non-Finnish European, 0.00076%; no homozygotes.

Submissions (4):

Labcorp Genetics (formerly Invitae), Labcorp
Classification: Uncertain significance for Congenital contractural arachnodactyly. Last evaluated: 2025-03-02. Review status: criteria provided, single submitter. Criteria: Invitae Variant Classification Sherloc (09022015). Collection method: clinical testing. Allele origin: germline.
Comment: This sequence change replaces aspartic acid, which is acidic and polar, with glycine, which is neutral and non-polar, at codon 1295 of the FBN2 protein (p.Asp1295Gly). This variant is not present in population databases (gnomAD no frequency). This variant has not been reported in the literature in individuals affected with FBN2-related conditions. ClinVar contains an entry for this variant (Variation ID: 264121). Invitae Evidence Modeling of protein sequence and biophysical properties (such as structural, functional, and spatial information, amino acid conservation, physicochemical variation, residue mobility, and thermodynamic stability) indicates that this missense variant is not expected to disrupt FBN2 protein function with a negative predictive value of 80%. In summary, the available evidence is currently insufficient to determine the role of this variant in disease. Therefore, it has been classified as a Variant of Uncertain Significance.

PreventionGenetics, part of Exact Sciences
Classification: Uncertain significance for FBN2-related condition. Last evaluated: 2022-10-31. Review status: criteria provided, single submitter. Criteria: ACMG Guidelines, 2015. Collection method: clinical testing. Allele origin: germline.
Comment: The FBN2 c.3884A>G variant is predicted to result in the amino acid substitution p.Asp1295Gly. To our knowledge, this variant has not been reported in the literature or in a large population database, indicating this variant is rare. At this time, the clinical significance of this variant is uncertain due to the absence of conclusive functional and genetic evidence.

Blueprint Genetics
Classification: Uncertain significance. Last evaluated: 2022-05-06. Review status: criteria provided, single submitter. Criteria: ACMG Guidelines, 2015. Collection method: clinical testing. Allele origin: germline.

Ambry Genetics
Classification: Uncertain significance for Familial thoracic aortic aneurysm and aortic dissection. Last evaluated: 2015-06-30. Review status: criteria provided, single submitter. Criteria: Ambry Variant Classification Scheme 2023. Collection method: clinical testing. Allele origin: germline.
Comment: The p.D1295G variant (also known as c.3884A>G), located in coding exon 30 of the FBN2 gene, results from an A to G substitution at nucleotide position 3884. The aspartic acid at codon 1295 is replaced by glycine, an amino acid with similar properties. This variant was not reported in population based cohorts in the following databases: Database of Single Nucleotide Polymorphisms (dbSNP), NHLBI Exome Sequencing Project (ESP), and 1000 Genomes Project. In the ESP, this variant was not observed in 6503 samples (13006 alleles) with coverage at this position. This amino acid position is highly conserved in available vertebrate species. In addition, this alteration is predicted to be probably damaging but tolerated by PolyPhen and SIFT in silico analyses, respectively. Since supporting evidence is limited at this time, the clinical significance of this variant remains unclear.